The following is an entry in ClinVar:

ClinVar aggregate classification (germline): Uncertain significance (1 of 4 stars; one submission).

Conditions:
Cardiovascular phenotype. Identifiers: MedGen CN230736.

gnomAD v4.1: 1 of 1,614,080 alleles (0.000062%); highest among the groups gnomAD compares: Non-Finnish European, 0.000085%; no homozygotes.

Submission:

Ambry Genetics
Classification: Uncertain significance for Cardiovascular phenotype. Last evaluated: 2024-11-03. Review status: criteria provided, single submitter. Criteria: Ambry Variant Classification Scheme 2023. Collection method: clinical testing. Allele origin: germline.
Comment: The p.T1381A variant (also known as c.4141A>G), located in coding exon 23 of the DSP gene, results from an A to G substitution at nucleotide position 4141. The threonine at codon 1381 is replaced by alanine, an amino acid with similar properties. This amino acid position is conserved. In addition, the in silico prediction for this alteration is inconclusive. Based on the available evidence, the clinical significance of this variant remains unclear.

NM_004415.4(DSP):c.4141A>G (p.Thr1381Ala)

Gene: DSP (desmoplakin; plus strand). Cytogenetic location: 6p24.3.
Variant type: single nucleotide variant.
Coding change: c.4141A>G on transcript NM_004415.4 (MANE Select); coding-DNA position 4141, A replaced by G.
Protein change: p.Thr1381Ala; replaces threonine 1381 with alanine.
Molecular consequence: missense variant. On other transcripts: intron variant (2).
Genome position (GRCh38, 1-based): chr6:7,580,331, A>G. VCF-style: chr6-7580331-A-G. GRCh37 (hg19) VCF-style: chr6-7580564-A-G.
Other names: c.4050+91A>G (NM_001319034.2); c.3582+559A>G (NM_001008844.3); short protein forms T1381A.
Identifiers: ClinVar variation 3505523 (VCV003505523.1).